The following is an entry in ClinVar:

ClinVar aggregate classification (germline): Uncertain significance. Review status: criteria provided, multiple submitters, no conflicts (2 of 4 stars). 2 submissions from 2 submitters: Uncertain significance (2). Last evaluated 2024-12-13.

Conditions:
Inborn genetic diseases. Identifiers: MedGen C0950123, MeSH D030342.

Allele frequency attached by ClinVar (database versions not stated): gnomAD exomes 0.00006; ExAC 0.00014; 1000 Genomes Project 30x 0.00016; 1000 Genomes Project 0.00020; ESP Exome Variant Server 0.00031; gnomAD 0.00031; TOPMed 0.00034.
gnomAD v4.1: 140 of 1,614,144 alleles (0.0087%); highest among the groups gnomAD compares: African/African-American, 0.093%; no homozygotes.

Submissions (2):

Ambry Genetics
Classification: Uncertain significance for Inborn genetic diseases. Last evaluated: 2024-12-13. Review status: criteria provided, single submitter. Criteria: Ambry Variant Classification Scheme 2023. Collection method: clinical testing. Allele origin: germline.

Labcorp Genetics (formerly Invitae), Labcorp
Classification: Uncertain significance. Last evaluated: 2022-03-02. Review status: criteria provided, single submitter. Criteria: Invitae Variant Classification Sherloc (09022015). Collection method: clinical testing. Allele origin: germline.
Comment: This sequence change replaces arginine, which is basic and polar, with glutamine, which is neutral and polar, at codon 624 of the UNC45B protein (p.Arg624Gln). This variant is present in population databases (rs199705567, gnomAD 0.08%). This variant has not been reported in the literature in individuals affected with UNC45B-related conditions. Algorithms developed to predict the effect of missense changes on protein structure and function (SIFT, PolyPhen-2, Align-GVGD) all suggest that this variant is likely to be tolerated. In summary, the available evidence is currently insufficient to determine the role of this variant in disease. Therefore, it has been classified as a Variant of Uncertain Significance.

NM_001267052.2(UNC45B):c.1865G>A (p.Arg622Gln)

Gene: UNC45B (unc-45 myosin chaperone B; plus strand). Cytogenetic location: 17q12.
Variant type: single nucleotide variant.
Coding change: c.1865G>A on transcript NM_001267052.2 (MANE Select); coding-DNA position 1865, G replaced by A.
Protein change: p.Arg622Gln; replaces arginine 622 with glutamine.
Molecular consequence: missense variant.
Genome position (GRCh38, 1-based): chr17:35,174,276, G>A. VCF-style: chr17-35174276-G-A. GRCh37 (hg19) VCF-style: chr17-33501295-G-A.
Other names: c.1865G>A, p.Arg622Gln (NM_001033576.2); c.1628G>A, p.Arg543Gln (NM_001308281.1); c.1871G>A, p.Arg624Gln (NM_173167.3); c.1871G>A (NM_173167.2); short protein forms R543Q, R622Q, R624Q.
Identifiers: ClinVar variation 2198198 (VCV002198198.5), dbSNP rs199705567, ClinGen allele CA8501314.